The following is an entry in ClinVar:

NM_015238.3(WWC1):c.2280+14CTGG[10]

Gene: WWC1 (WW and C2 domain containing 1; plus strand). Cytogenetic location: 5q34.
Variant type: Microsatellite.
Coding change: c.2280+14CTGG[10] on transcript NM_015238.3 (MANE Select); ten copies in a row of the 4-base unit CTGG starting at c.2280+14.
Molecular consequence: intron variant.
Genome position: GRCh38 VCF-style: chr5-168431457-TCTGG-T. GRCh37 (hg19) VCF-style: chr5-167858462-TCTGG-T.
Other names: c.2280+14CTGG[10] (NM_001161661.2, NM_001161662.2).
Identifiers: ClinVar variation 403611 (VCV000403611.4), dbSNP rs11279828, ClinGen allele CA3549025.

ClinVar aggregate classification (germline): Benign (1 of 4 stars; one submission).

Submission:

Laboratory for Molecular Medicine, Mass General Brigham Personalized Medicine
Classification: Benign. Last evaluated: 2016-03-28. Review status: criteria provided, single submitter. Criteria: LMM Criteria. Collection method: clinical testing. Allele origin: germline.
Comment: Variant identified in a genome or exome case(s) and assessed due to predicted null impact of the variant or pathogenic assertions in the literature or databases. Disclaimer: This variant has not undergone full assessment. The following are preliminary notes: Frequency